The following is an entry in ClinVar:

ClinVar aggregate classification (germline): Uncertain significance (1 of 4 stars; one submission).

Conditions:
EGFR-related lung cancer (EGFR). Identifiers: MedGen CN130014.

Submission:

Labcorp Genetics (formerly Invitae), Labcorp
Classification: Uncertain significance for EGFR-related lung cancer. Last evaluated: 2023-07-31. Review status: criteria provided, single submitter. Criteria: Invitae Variant Classification Sherloc (09022015). Collection method: clinical testing. Allele origin: germline.
Comment: This sequence change replaces serine, which is neutral and polar, with proline, which is neutral and non-polar, at codon 995 of the EGFR protein (p.Ser995Pro). In summary, the available evidence is currently insufficient to determine the role of this variant in disease. Therefore, it has been classified as a Variant of Uncertain Significance. Advanced modeling of protein sequence and biophysical properties (such as structural, functional, and spatial information, amino acid conservation, physicochemical variation, residue mobility, and thermodynamic stability) performed at Invitae indicates that this missense variant is not expected to disrupt EGFR protein function. This variant has not been reported in the literature in individuals affected with EGFR-related conditions. This variant is not present in population databases (gnomAD no frequency).

NM_005228.5(EGFR):c.2983T>C (p.Ser995Pro)

Gene: EGFR (epidermal growth factor receptor; plus strand). Cytogenetic location: 7p11.2.
Variant type: single nucleotide variant.
Coding change: c.2983T>C on transcript NM_005228.5 (MANE Select); coding-DNA position 2983, T replaced by C.
Protein change: p.Ser995Pro; replaces serine 995 with proline.
Molecular consequence: missense variant.
Genome position (GRCh38, 1-based): chr7:55,201,224, T>C. VCF-style: chr7-55201224-T-C. GRCh37 (hg19) VCF-style: chr7-55268917-T-C.
Other names: c.2848T>C, p.Ser950Pro (NM_001346897.2, NM_001346899.2); c.2983T>C, p.Ser995Pro (NM_001346898.2); c.2824T>C, p.Ser942Pro (NM_001346900.2); c.2182T>C, p.Ser728Pro (NM_001346941.2); short protein forms S942P, S995P, S728P, S950P.
Identifiers: ClinVar variation 2748788 (VCV002748788.3), dbSNP rs2128971542, ClinGen allele CA367582412.